The following is an entry in ClinVar:

NM_015662.3(IFT172):c.1462G>T (p.Val488Leu)

Gene: IFT172 (intraflagellar transport 172; minus strand). Cytogenetic location: 2p23.3.
Variant type: single nucleotide variant.
Coding change: c.1462G>T on transcript NM_015662.3 (MANE Select); coding-DNA position 1462, G replaced by T.
Protein change: p.Val488Leu; replaces valine 488 with leucine.
Molecular consequence: missense variant.
Genome position (GRCh38, 1-based): chr2:27,472,312, C>A on the plus strand (G>T on the coding strand, the complement: IFT172 is on the minus strand). VCF-style: chr2-27472312-C-A. GRCh37 (hg19) VCF-style: chr2-27695179-C-A.
Other names: short protein forms V488L.
Identifiers: ClinVar variation 1305403 (VCV001305403.2), dbSNP rs975612115, ClinGen allele CA44509894.

ClinVar aggregate classification (germline): Uncertain significance (1 of 4 stars; one submission).

Allele frequency attached by ClinVar (database versions not stated): TOPMed below 0.00001.

Submission:

GeneDx
Classification: Uncertain significance. Last evaluated: 2019-05-03. Review status: criteria provided, single submitter. Criteria: GeneDx Variant Classification Process June 2021. Collection method: clinical testing. Allele origin: germline. Affected: yes.
Comment: Not observed in large population cohorts (Lek et al., 2016); In silico analysis, which includes protein predictors and evolutionary conservation, supports that this variant does not alter protein structure/function; Has not been previously published as pathogenic or benign to our knowledge